The following is an entry in ClinVar:

ClinVar aggregate classification (germline): Uncertain significance (1 of 4 stars; one submission).

Conditions:
Familial infantile myasthenia (CMS6). Also called: Congenital myasthenic syndrome type 6; MYASTHENIC SYNDROME, PRESYNAPTIC, CONGENITAL, ASSOCIATED WITH EPISODIC APNEA; MYASTHENIC SYNDROME, CONGENITAL, 6, PRESYNAPTIC. Identifiers: Orphanet 590, MedGen C0393929, MONDO:0009689, OMIM 254210.

Submission:

Labcorp Genetics (formerly Invitae), Labcorp
Classification: Uncertain significance for Familial infantile myasthenia. Last evaluated: 2025-12-15. Review status: criteria provided, single submitter. Criteria: Invitae Variant Classification Sherloc (09022015). Collection method: clinical testing. Allele origin: germline.
Comment: This sequence change replaces threonine, which is neutral and polar, with serine, which is neutral and polar, at codon 608 of the CHAT protein (p.Thr608Ser). This variant is not present in population databases (gnomAD no frequency). This variant has not been reported in the literature in individuals affected with CHAT-related conditions. ClinVar contains an entry for this variant (Variation ID: 2077062). Invitae Evidence Modeling of protein sequence and biophysical properties (such as structural, functional, and spatial information, amino acid conservation, physicochemical variation, residue mobility, and thermodynamic stability) indicates that this missense variant is not expected to disrupt CHAT protein function with a negative predictive value of 95%. In summary, the available evidence is currently insufficient to determine the role of this variant in disease. Therefore, it has been classified as a Variant of Uncertain Significance.

NM_020549.5(CHAT):c.1822A>T (p.Thr608Ser)

Gene: CHAT (choline O-acetyltransferase; plus strand). Cytogenetic location: 10q11.23.
Variant type: single nucleotide variant.
Coding change: c.1822A>T on transcript NM_020549.5 (MANE Select); coding-DNA position 1822, A replaced by T.
Protein change: p.Thr608Ser; replaces threonine 608 with serine.
Molecular consequence: missense variant.
Genome position (GRCh38, 1-based): chr10:49,655,431, A>T. VCF-style: chr10-49655431-A-T. GRCh37 (hg19) VCF-style: chr10-50863477-A-T.
Other names: c.1468A>T, p.Thr490Ser (NM_001142929.2, NM_001142934.2, NM_020984.4 and 2 more transcripts); c.1576A>T, p.Thr526Ser (NM_001142933.2); short protein forms T526S, T490S, T608S.
Identifiers: ClinVar variation 2077062 (VCV002077062.4), dbSNP rs1840005184, ClinGen allele CA376748811.